The following is an entry in ClinVar:

ClinVar aggregate classification (germline): Conflicting classifications of pathogenicity. Review status: criteria provided, conflicting classifications (1 of 4 stars). 5 submissions from 5 submitters: Uncertain significance (1); Likely benign (4). Last evaluated 2026-08-12.

Conditions:
FLNC-related disorder. Also called: FLNC-related disorders; FLNC-related condition.
Myofibrillar myopathy 5. Also called: FILAMINOPATHY, AUTOSOMAL DOMINANT; Filaminopathy (type). Identifiers: Orphanet 171445, MedGen C1836050, MONDO:0012289, OMIM 609524.
Hypertrophic cardiomyopathy 26. Also called: Cardiomyopathy, familial hypertrophic, 26. Identifiers: Orphanet 75249, MedGen C4310749, MONDO:0014883, OMIM 617047.
Distal myopathy with posterior leg and anterior hand involvement. Also called: WILLIAMS DISTAL MYOPATHY. Identifiers: Orphanet 63273, MedGen C3279722, MONDO:0013550, OMIM 614065.
Cardiovascular phenotype. Identifiers: MedGen CN230736.

Allele frequency attached by ClinVar (database versions not stated): gnomAD exomes 0.00007 and 0.00012; gnomAD 0.00009 and 0.00012; ExAC 0.00010; TOPMed 0.00011; 1000 Genomes Project 30x 0.00047; 1000 Genomes Project 0.00060.
gnomAD v4.1: 183 of 1,614,240 alleles (0.011%); highest among the groups gnomAD compares: East Asian, 0.35%; 2 homozygotes.

Submissions (5):

PreventionGenetics, part of Exact Sciences
Classification: Likely benign for FLNC-related condition. Last evaluated: 2026-08-12. Review status: criteria provided, single submitter. Criteria: ACMG Guidelines, 2015. Collection method: clinical testing. Allele origin: germline.
Comment: This variant is classified as likely benign based on ACMG/AMP sequence variant interpretation guidelines (Richards et al. 2015 PMID: 25741868, with internal and published modifications).

Labcorp Genetics (formerly Invitae), Labcorp
Classification: Likely benign for Distal myopathy with posterior leg and anterior hand involvement; Myofibrillar myopathy 5; Hypertrophic cardiomyopathy 26. Last evaluated: 2026-01-20. Review status: criteria provided, single submitter. Criteria: Invitae Variant Classification Sherloc (09022015). Collection method: clinical testing. Allele origin: germline.

Fulgent Genetics
Classification: Likely benign for Myofibrillar myopathy 5; Distal myopathy with posterior leg and anterior hand involvement; Hypertrophic cardiomyopathy 26. Last evaluated: 2022-04-25. Review status: criteria provided, single submitter. Criteria: ACMG Guidelines, 2015. Collection method: clinical testing. Allele origin: unknown.

Ambry Genetics
Classification: Likely benign for Cardiovascular phenotype. Last evaluated: 2022-04-04. Review status: criteria provided, single submitter. Criteria: Ambry Variant Classification Scheme 2023. Collection method: clinical testing. Allele origin: germline.

Revvity Omics, Revvity
Classification: Uncertain significance. Last evaluated: 2021-08-28. Review status: criteria provided, single submitter. Criteria: ACMG Guidelines, 2015. Collection method: clinical testing. Allele origin: germline.

NM_001458.5(FLNC):c.1606G>A (p.Glu536Lys)

Gene: FLNC (filamin C; plus strand). Cytogenetic location: 7q32.1.
Variant type: single nucleotide variant.
Coding change: c.1606G>A on transcript NM_001458.5 (MANE Select); coding-DNA position 1606, G replaced by A.
Protein change: p.Glu536Lys; replaces glutamic acid 536 with lysine.
Molecular consequence: missense variant.
Genome position (GRCh38, 1-based): chr7:128,840,604, G>A. VCF-style: chr7-128840604-G-A. GRCh37 (hg19) VCF-style: chr7-128480658-G-A.
Other names: c.1606G>A, p.Glu536Lys (NM_001127487.2); short protein forms E536K.
Identifiers: ClinVar variation 471983 (VCV000471983.18), dbSNP rs141616435, ClinGen allele CA4474409.
Genomic context (GRCh38, chr7:128,840,604, plus strand): 5'-TCAGAGGGCACAGAGGAGCCAGTGAAGGTGCGGGAGGCTGGGGATGGTGTGTTCGAGTGC[G>A]AGTACTACCCGGTGGTGCCTGGGAAGTATGTGGTGACCATCACGTGGGGCGGCTACGCCA-3'
Protein context (NP_001449.3, residues 526-546): REAGDGVFEC[Glu536Lys]YYPVVPGKYV